The following is an entry in ClinVar:

ClinVar aggregate classification (germline): Uncertain significance (1 of 4 stars; one submission).

Submission:

GeneDx
Classification: Uncertain significance. Last evaluated: 2025-05-30. Review status: criteria provided, single submitter. Criteria: GeneDx Variant Classification Process June 2021. Collection method: clinical testing. Allele origin: germline. Affected: yes.
Comment: In silico analysis supports that this missense variant has a deleterious effect on protein structure/function; Has not been previously published as pathogenic or benign to our knowledge

NM_001373.1:c.9415C>T

Gene: DNAH14 (dynein axonemal heavy chain 14; plus strand).
Variant type: single nucleotide variant.
Identifiers: ClinVar variation 4532515 (VCV004532515.1).